The following is an entry in ClinVar:

NM_016151.4(TAOK2):c.2732T>C (p.Ile911Thr)

Gene: TAOK2 (TAO kinase 2; plus strand). Cytogenetic location: 16p11.2.
Variant type: single nucleotide variant.
Coding change: c.2732T>C on transcript NM_016151.4 (MANE Select); coding-DNA position 2732, T replaced by C.
Protein change: p.Ile911Thr; replaces isoleucine 911 with threonine.
Molecular consequence: missense variant. On other transcripts: intron variant (1).
Genome position (GRCh38, 1-based): chr16:29,987,004, T>C. VCF-style: chr16-29987004-T-C. GRCh37 (hg19) VCF-style: chr16-29998325-T-C.
Other names: c.2732T>C (NM_016151.2); c.2393T>C, p.Ile798Thr (NM_001252043.2); c.2232+500T>C (NM_004783.4); short protein forms I798T, I911T.
Identifiers: ClinVar variation 1026321 (VCV001026321.10), dbSNP rs909457929, ClinGen allele CA280399143.
Genomic context (GRCh38, chr16:29,987,004, plus strand): 5'-AGGGCCCAGCACTGACTCCCGTCCCTGAGGAGGAGGAAGAAGAGGAAGAGGGGGCTCCGA[T>C]TGGGACCCCTAGGGATCCTGGAGATGGTTGTCCTTCCCCCGACATCCCTCCTGAACCCCC-3'
Protein context (NP_057235.2, residues 901-921): EEEEEEEGAP[Ile911Thr]GTPRDPGDGC

ClinVar aggregate classification (germline): Uncertain significance. Review status: criteria provided, multiple submitters, no conflicts (2 of 4 stars). 2 submissions from 2 submitters: Uncertain significance (2). Last evaluated 2024-10-24.

Allele frequency attached by ClinVar (database versions not stated): gnomAD 0.00003 and 0.00004; TOPMed 0.00003.
gnomAD v4.1: 14 of 1,612,818 alleles (0.00087%); highest among the groups gnomAD compares: African/African-American, 0.0067%; no homozygotes.

Submissions (2):

Labcorp Genetics (formerly Invitae), Labcorp
Classification: Uncertain significance. Last evaluated: 2024-10-24. Review status: criteria provided, single submitter. Criteria: Invitae Variant Classification Sherloc (09022015). Collection method: clinical testing. Allele origin: germline.
Comment: This sequence change replaces isoleucine, which is neutral and non-polar, with threonine, which is neutral and polar, at codon 911 of the TAOK2 protein (p.Ile911Thr). This variant is present in population databases (no rsID available, gnomAD no frequency). This variant has not been reported in the literature in individuals affected with TAOK2-related conditions. ClinVar contains an entry for this variant (Variation ID: 1026321). An algorithm developed to predict the effect of missense changes on protein structure and function (PolyPhen-2) suggests that this variant is likely to be tolerated. In summary, the available evidence is currently insufficient to determine the role of this variant in disease. Therefore, it has been classified as a Variant of Uncertain Significance.

Ambry Genetics
Classification: Uncertain significance. Last evaluated: 2023-07-25. Review status: criteria provided, single submitter. Criteria: Ambry Variant Classification Scheme 2023. Collection method: clinical testing. Allele origin: germline.